The following is an entry in ClinVar:

ClinVar aggregate classification (germline): Uncertain significance. Review status: criteria provided, multiple submitters, no conflicts (2 of 4 stars). 2 submissions from 2 submitters: Uncertain significance (2). Last evaluated 2025-11-03.

Conditions:
Inborn genetic diseases. Identifiers: MedGen C0950123, MeSH D030342.

Allele frequency attached by ClinVar (database versions not stated): gnomAD 0.00001; 1000 Genomes Project 0.00020; 1000 Genomes Project 30x 0.00031.
gnomAD v4.1: 2 of 1,551,816 alleles (0.00013%); highest among the groups gnomAD compares: East Asian, 0.0024%; no homozygotes.

Submissions (2):

Labcorp Genetics (formerly Invitae), Labcorp
Classification: Uncertain significance. Last evaluated: 2025-11-03. Review status: criteria provided, single submitter. Criteria: Invitae Variant Classification Sherloc (09022015). Collection method: clinical testing. Allele origin: germline.
Comment: This sequence change replaces aspartic acid, which is acidic and polar, with asparagine, which is neutral and polar, at codon 1131 of the LOXHD1 protein (p.Asp1131Asn). This variant is not present in population databases (gnomAD no frequency). This variant has not been reported in the literature in individuals affected with LOXHD1-related conditions. ClinVar contains an entry for this variant (Variation ID: 1496064). An algorithm developed to predict the effect of missense changes on protein structure and function (PolyPhen-2) suggests that this variant is likely to be disruptive. In summary, the available evidence is currently insufficient to determine the role of this variant in disease. Therefore, it has been classified as a Variant of Uncertain Significance.

Ambry Genetics
Classification: Uncertain significance for Inborn genetic diseases. Last evaluated: 2025-01-26. Review status: criteria provided, single submitter. Criteria: Ambry Variant Classification Scheme 2023. Collection method: clinical testing. Allele origin: germline.

NM_001384474.1(LOXHD1):c.3391G>A (p.Asp1131Asn)

Gene: LOXHD1 (lipoxygenase homology PLAT domains 1; minus strand). Cytogenetic location: 18q21.1.
Variant type: single nucleotide variant.
Coding change: c.3391G>A on transcript NM_001384474.1 (MANE Select); coding-DNA position 3391, G replaced by A.
Protein change: p.Asp1131Asn; replaces aspartic acid 1131 with asparagine.
Molecular consequence: missense variant. On other transcripts: 5 prime UTR variant (1).
Genome position (GRCh38, 1-based): chr18:46,547,018, C>T on the plus strand (G>A on the coding strand, the complement: LOXHD1 is on the minus strand). VCF-style: chr18-46547018-C-T. GRCh37 (hg19) VCF-style: chr18-44126981-C-T.
Other names: c.3391G>A (NM_144612.6); c.58G>A, p.Asp20Asn (NM_001145472.3); c.-231G>A (NM_001308013.2); c.3391G>A, p.Asp1131Asn (NM_144612.7); short protein forms D1131N, D20N.
Identifiers: ClinVar variation 1496064 (VCV001496064.7), dbSNP rs574369643, ClinGen allele CA299786236.